The following is an entry in ClinVar:

ClinVar aggregate classification (germline): Uncertain significance (1 of 4 stars; one submission).

Submission:

Labcorp Genetics (formerly Invitae), Labcorp
Classification: Uncertain significance. Last evaluated: 2024-01-15. Review status: criteria provided, single submitter. Criteria: Invitae Variant Classification Sherloc (09022015). Collection method: clinical testing. Allele origin: germline.
Comment: This sequence change replaces asparagine, which is neutral and polar, with histidine, which is basic and polar, at codon 76 of the GZF1 protein (p.Asn76His). This variant is not present in population databases (gnomAD no frequency). This variant has not been reported in the literature in individuals affected with GZF1-related conditions. ClinVar contains an entry for this variant (Variation ID: 2123139). An algorithm developed to predict the effect of missense changes on protein structure and function (PolyPhen-2) suggests that this variant is likely to be disruptive. In summary, the available evidence is currently insufficient to determine the role of this variant in disease. Therefore, it has been classified as a Variant of Uncertain Significance.

NM_022482.5(GZF1):c.226A>C (p.Asn76His)

Gene: GZF1 (GDNF inducible zinc finger protein 1; plus strand). Cytogenetic location: 20p11.21.
Variant type: single nucleotide variant.
Coding change: c.226A>C on transcript NM_022482.5 (MANE Select); coding-DNA position 226, A replaced by C.
Protein change: p.Asn76His; replaces asparagine 76 with histidine.
Molecular consequence: missense variant.
Genome position (GRCh38, 1-based): chr20:23,364,609, A>C. VCF-style: chr20-23364609-A-C. GRCh37 (hg19) VCF-style: chr20-23345246-A-C.
Other names: c.226A>C, p.Asn76His (NM_001317012.2, NM_001317019.1); short protein forms N76H.
Identifiers: ClinVar variation 2123139 (VCV002123139.4), dbSNP rs2514892969, ClinGen allele CA408409082.